The following is an entry in ClinVar:

NM_001122955.4(BSCL2):c.1282CCTGCT[4] (p.428PA[4])

Genes: BSCL2 (BSCL2 lipid droplet biogenesis associated, seipin; minus strand), HNRNPUL2-BSCL2 (HNRNPUL2-BSCL2 readthrough (NMD candidate); minus strand). Cytogenetic location: 11q12.3.
Variant type: Microsatellite.
Coding change: c.1282CCTGCT[4] on transcript NM_001122955.4 (MANE Select); four copies in a row of the 6-base unit CCTGCT starting at c.1282; the reference has three copies in a row; one copy, 6 bases duplicated; also written c.1294_1299dup.
Protein change: p.428PA[4].
Molecular consequence: inframe insertion. On other transcripts: non-coding transcript variant (1), 3 prime UTR variant (1).
Genome position (GRCh38, 1-based): chr11:62,690,457-62,690,462, AGCAGG duplicated on the plus strand (CCTGCT on the coding strand, the reverse complement: BSCL2 is on the minus strand); duplicating any 6 consecutive bases within chr11:62,690,457-62,690,474 gives the same sequence; the position shown is the placement nearest the transcript's 3' end. VCF-style (leftmost placement, unchanged base first): chr11-62690456-A-AAGCAGG. GRCh37 (hg19) VCF-style: chr11-62457928-A-AAGCAGG.
Other names: c.*84CCTGCT[4] (NM_001130702.2); c.1288CCTGCT[4], p.430PA[4] (NM_001386027.1); c.1282CCTGCT[4], p.428PA[4] (NM_001386028.1); c.1090CCTGCT[4], p.364PA[4] (NM_032667.6); c.1102_1107dupCCTGCT (NM_032667.6); c.1102_1107dup (NM_032667.6); c.1294_1299dup (NM_001122955.4); c.1294_1299dup6 (NM_001122955.3).
Identifiers: ClinVar variation 943575 (VCV000943575.15), dbSNP rs771054711, ClinGen allele CA6053256.

ClinVar aggregate classification (germline): Uncertain significance. Review status: criteria provided, multiple submitters, no conflicts (2 of 4 stars). 6 submissions from 6 submitters: Uncertain significance (6). Last evaluated 2026-08-20.

Conditions:
BSCL2-related disorder. Also called: BSCL2-related condition; BSCL2-Related Disorders.
Inborn genetic diseases. Identifiers: MedGen C0950123, MeSH D030342.
Hereditary spastic paraplegia 17. Also called: Spastic Paraplegia 17; Autosomal dominant spastic paraplegia type 17; Silver Syndrome; SPASTIC PARAPLEGIA WITH AMYOTROPHY OF HANDS AND FEET; Silver spastic paraplegia syndrome. Identifiers: Orphanet 100998, MedGen C2931276, MONDO:0010043, OMIM 270685.
Charcot-Marie-Tooth disease type 2. Also called: Charcot-Marie-Tooth type 2. Identifiers: Orphanet 64746, MedGen C0270914, MONDO:0018993.

Submissions (6):

PreventionGenetics, part of Exact Sciences
Classification: Uncertain significance for BSCL2-related condition. Last evaluated: 2026-08-20. Review status: criteria provided, single submitter. Criteria: ACMG Guidelines, 2015. Collection method: clinical testing. Allele origin: germline.
Comment: The BSCL2 c.1294_1299dup6 variant is predicted to result in an in-frame duplication (p.Pro432_Ala433dup). To our knowledge, this variant has not been reported in the literature. This variant is reported in 0.016% of alleles in individuals of African descent in gnomAD. At this time, the clinical significance of this variant is uncertain due to the absence of conclusive functional and genetic evidence.

Dasa
Classification: Uncertain significance for Hereditary spastic paraplegia 17. Last evaluated: 2025-10-23. Review status: criteria provided, single submitter. Criteria: DASA Assertion Criteria. Collection method: clinical testing. Allele origin: germline.
Comment: NM_001122955.4(BSCL2):c.1294_1299dup (p.Pro432_Ala433dup) is an in-frame duplication predicted to duplicate amino acids from proline at protein position 432 through alanine at protein position 433 without shifting the reading frame. This variant is rare in population databases. The currently available literature and clinical evidence are not sufficient to establish a definitive association between this variant and the reported condition. Therefore, this variant is classified as a variant of uncertain significance.

GeneDx
Classification: Uncertain significance. Last evaluated: 2025-05-20. Review status: criteria provided, single submitter. Criteria: GeneDx Variant Classification Process June 2021. Collection method: clinical testing. Allele origin: germline. Affected: yes.
Comment: In-frame duplication of 2 amino acids in a repetitive region with no known function; Has not been previously published as pathogenic or benign to our knowledge

Labcorp Genetics (formerly Invitae), Labcorp
Classification: Uncertain significance for Charcot-Marie-Tooth disease type 2. Last evaluated: 2025-02-24. Review status: criteria provided, single submitter. Criteria: Invitae Variant Classification Sherloc (09022015). Collection method: clinical testing. Allele origin: germline.
Comment: This variant, c.1102_1107dup, results in the insertion of 2 amino acid(s) of the BSCL2 protein (p.Pro368_Ala369dup), but otherwise preserves the integrity of the reading frame. This variant is present in population databases (rs771054711, gnomAD 0.02%). This variant has not been reported in the literature in individuals affected with BSCL2-related conditions. ClinVar contains an entry for this variant (Variation ID: 943575). Experimental studies and prediction algorithms are not available or were not evaluated, and the functional significance of this variant is currently unknown. In summary, the available evidence is currently insufficient to determine the role of this variant in disease. Therefore, it has been classified as a Variant of Uncertain Significance.

Revvity Omics, Revvity
Classification: Uncertain significance. Last evaluated: 2024-07-29. Review status: criteria provided, single submitter. Criteria: ACMG Guidelines, 2015. Collection method: clinical testing. Allele origin: germline.

Ambry Genetics
Classification: Uncertain significance for Inborn genetic diseases. Last evaluated: 2021-05-19. Review status: criteria provided, single submitter. Criteria: Ambry Variant Classification Scheme 2023. Collection method: clinical testing. Allele origin: germline.
Comment: The c.1102_1107dupCCTGCT variant (also known as p.P368_A369dup), located in coding exon 10 of the BSCL2 gene, results from an in-frame duplication of CCTGCT at nucleotide positions 1102 to 1107. This results in the duplication of 2 extra residues (proline and alanine) between codons 368 and 369. This amino acid region is not well conserved in available vertebrate species. In addition, the in silico prediction for this alteration is inconclusive (Choi Y et al. PLoS ONE. 2012; 7(10):e46688). Since supporting evidence is limited at this time, the clinical significance of this alteration remains unclear.